The following is an entry in ClinVar:

ClinVar aggregate classification (germline): Likely pathogenic (1 of 4 stars; one submission).

Conditions:
Leukocyte adhesion deficiency 3. Also called: Leukocyte adhesion deficiency, type III; INTEGRIN ACTIVATION DEFICIENCY DISEASE; LEUKOCYTE ADHESION DEFICIENCY 1 VARIANT. Identifiers: Orphanet 2968, Orphanet 99844, MedGen C2748536, MONDO:0013016, OMIM 612840.

Submission:

Labcorp Genetics (formerly Invitae), Labcorp
Classification: Likely pathogenic for Leukocyte adhesion deficiency 3. Last evaluated: 2023-05-05. Review status: criteria provided, single submitter. Criteria: Invitae Variant Classification Sherloc (09022015). Collection method: clinical testing. Allele origin: germline.
Comment: This variant results in the deletion of part of exon 14 of the FERMT3 gene. It is expected to disrupt RNA splicing. Variants that disrupt the donor or acceptor splice site typically lead to a loss of protein function (PMID: 16199547), and loss-of-function variants in FERMT3 are known to be pathogenic (PMID: 19064721, 19234463, 22134107). This variant is not present in population databases (gnomAD no frequency). This variant has not been reported in the literature in individuals affected with FERMT3-related conditions. Algorithms developed to predict the effect of sequence changes on RNA splicing suggest that this variant may disrupt the consensus splice site. In summary, the currently available evidence indicates that the variant is pathogenic, but additional data are needed to prove that conclusively. Therefore, this variant has been classified as Likely Pathogenic.

Literature cited by the submitters: PubMed 16199547; PubMed 19064721; PubMed 19234463; PubMed 22134107.

NM_031471.6(FERMT3):c.1671-4_1671del

Gene: FERMT3 (FERM domain containing kindlin 3; plus strand). Cytogenetic location: 11q13.1.
Variant type: Deletion.
Coding change: c.1671-4_1671del on transcript NM_031471.6 (MANE Select); 4 bases into the intron before coding-DNA position 1671 through coding-DNA position 1671, 5 bases deleted (CCAGG; older notation c.1671-4_1671delCCAGG).
Molecular consequence: splice acceptor variant.
Genome position (GRCh38, 1-based): chr11:64,223,044-64,223,048, CCAGG deleted; deleting any 5 consecutive bases within chr11:64,223,042-64,223,048 gives the same sequence; the c. name uses the placement nearest the transcript's 3' end. VCF-style (leftmost placement, unchanged base first): chr11-64223041-GGGCCA-G. GRCh37 (hg19) VCF-style: chr11-63990513-GGGCCA-G.
Other names: c.1671-4_1671del (NM_001382448.1, NM_001382361.1); c.1683-4_1683del (NM_178443.3, NM_001382362.1); c.1143-4_1143del (NM_001382364.1); c.1131-4_1131del (NM_001382363.1).
Identifiers: ClinVar variation 2800615 (VCV002800615.3), dbSNP rs2496049730, ClinGen allele CA2614111872.
Genomic context (GRCh38, chr11:64,223,041, plus strand): 5'-CATTGTCTGGGCGGGCTCTGGCCATGCAGGGTGGAGCCCTGGCTCACTCTCTCTCCCTGG[GGGCCA>G]GGTTCAAGGGCAGCAGGAAAGACGAGATCCTGGGCATCGCCAACAACCGACTGATCCGCA-3'